The following is an entry in ClinVar:

NM_017646.6(TRIT1):c.833G>A (p.Gly278Asp)

Gene: TRIT1 (tRNA isopentenyltransferase 1; minus strand). Cytogenetic location: 1p34.2.
Variant type: single nucleotide variant.
Coding change: c.833G>A on transcript NM_017646.6 (MANE Select); coding-DNA position 833, G replaced by A.
Protein change: p.Gly278Asp; replaces glycine 278 with aspartic acid.
Molecular consequence: missense variant.
Genome position (GRCh38, 1-based): chr1:39,847,643, C>T on the plus strand (G>A on the coding strand, the complement: TRIT1 is on the minus strand). VCF-style: chr1-39847643-C-T. GRCh37 (hg19) VCF-style: chr1-40313315-C-T.
Other names: c.833G>A, p.Gly278Asp (NM_001312691.2); c.587G>A, p.Gly196Asp (NM_001312692.2); short protein forms G196D, G278D.
Identifiers: ClinVar variation 1686729 (VCV001686729.2), dbSNP rs866540220, ClinGen allele CA339833795.

ClinVar aggregate classification (germline): Uncertain significance (1 of 4 stars; one submission).

Submission:

GeneDx
Classification: Uncertain significance. Last evaluated: 2021-11-23. Review status: criteria provided, single submitter. Criteria: GeneDx Variant Classification Process June 2021. Collection method: clinical testing. Allele origin: germline. Affected: yes.
Comment: Has not been previously published as pathogenic or benign to our knowledge